The following is an entry in ClinVar:

NM_001291415.2(KDM6A):c.3584C>T (p.Thr1195Ile)

Gene: KDM6A (lysine demethylase 6A; plus strand). Cytogenetic location: Xp11.3.
Variant type: single nucleotide variant.
Coding change: c.3584C>T on transcript NM_001291415.2 (MANE Select); coding-DNA position 3584, C replaced by T.
Protein change: p.Thr1195Ile; replaces threonine 1195 with isoleucine.
Molecular consequence: missense variant. On other transcripts: non-coding transcript variant (1).
Genome position (GRCh38, 1-based): chrX:45,083,603, C>T. VCF-style: chrX-45083603-C-T. GRCh37 (hg19) VCF-style: chrX-44942848-C-T.
Other names: c.3449C>T, p.Thr1150Ile (NM_001291416.2, NM_001419811.1); c.3293C>T, p.Thr1098Ile (NM_001291417.2); c.3191C>T, p.Thr1064Ile (NM_001291418.2, NM_001419815.1); c.2540C>T, p.Thr847Ile (NM_001291421.2); c.3326C>T, p.Thr1109Ile (NM_001410742.1, NM_001419814.1); c.3584C>T, p.Thr1195Ile (NM_001419809.1); c.3482C>T, p.Thr1161Ile (NM_001419810.1, NM_001419813.1); c.3428C>T, p.Thr1143Ile (NM_001419812.1, NM_021140.4); short protein forms T1161I, T1195I, T1143I, T1098I, T1109I, T1150I, T1064I, T847I.
Identifiers: ClinVar variation 2999391 (VCV002999391.3), dbSNP rs2148154497, ClinGen allele CA412804811.

ClinVar aggregate classification (germline): Uncertain significance (1 of 4 stars; one submission).

Conditions:
Kabuki syndrome 2 (KABUK2). Also called: KDM6A-Related Kabuki Syndrome. Identifiers: Orphanet 2322, MedGen C3275495, MONDO:0010465, OMIM 300867.

Allele frequency attached by ClinVar (database versions not stated): gnomAD exomes below 0.00001.
gnomAD v4.1: 1 of 1,205,229 alleles (0.000083%); highest among the groups gnomAD compares: Non-Finnish European, 0.00011%; no homozygotes.

Submission:

Labcorp Genetics (formerly Invitae), Labcorp
Classification: Uncertain significance for Kabuki syndrome 2. Last evaluated: 2025-05-12. Review status: criteria provided, single submitter. Criteria: Invitae Variant Classification Sherloc (09022015). Collection method: clinical testing. Allele origin: germline.
Comment: This sequence change replaces threonine, which is neutral and polar, with isoleucine, which is neutral and non-polar, at codon 1143 of the KDM6A protein (p.Thr1143Ile). This variant is not present in population databases (gnomAD no frequency). This variant has not been reported in the literature in individuals affected with KDM6A-related conditions. ClinVar contains an entry for this variant (Variation ID: 2999391). Invitae Evidence Modeling of protein sequence and biophysical properties (such as structural, functional, and spatial information, amino acid conservation, physicochemical variation, residue mobility, and thermodynamic stability) indicates that this missense variant is not expected to disrupt KDM6A protein function with a negative predictive value of 80%. In summary, the available evidence is currently insufficient to determine the role of this variant in disease. Therefore, it has been classified as a Variant of Uncertain Significance.